The following is an entry in ClinVar:

ClinVar aggregate classification (germline): Conflicting classifications of pathogenicity. Review status: criteria provided, conflicting classifications (1 of 4 stars). 10 submissions from 10 submitters: Uncertain significance (4); Likely benign (2). 4 of the submissions do not count toward it. Last evaluated 2026-01-09.

Conditions:
NBN-related disorder. Also called: NBN-related condition.
Hereditary cancer-predisposing syndrome. Also called: Tumor predisposition; Hereditary Cancer Syndrome; Hereditary neoplastic syndrome; Neoplastic Syndromes, Hereditary. Identifiers: Orphanet 140162, MedGen C0027672, MeSH D009386, MONDO:0015356.
Microcephaly, normal intelligence and immunodeficiency (NBS). Also called: IMMUNODEFICIENCY, MICROCEPHALY, AND CHROMOSOMAL INSTABILITY; SEEMANOVA SYNDROME II; Nijmegen breakage syndrome; Microcephaly with normal intelligence immunodeficiency and lymphoreticular malignancies; Nonsyndromal microcephaly autosomal recessive with normal intelligence; Seemanova syndrome 2. Identifiers: Orphanet 647, MedGen C0398791, MONDO:0009623, OMIM 251260.
Malignant tumor of breast. Also called: Cancer breast; Malignant breast neoplasm. Identifiers: MedGen C0006142, MONDO:0007254. Disease mechanism: loss of function.

Allele frequency attached by ClinVar (database versions not stated): gnomAD 0.00014; TOPMed 0.00014.
gnomAD v4.1: 99 of 1,613,884 alleles (0.0061%); highest among the groups gnomAD compares: Admixed American, 0.043%; no homozygotes.

Submissions (10):

Labcorp Genetics (formerly Invitae), Labcorp
Classification: Likely benign for Microcephaly, normal intelligence and immunodeficiency. Last evaluated: 2026-01-09. Review status: criteria provided, single submitter. Criteria: Invitae Variant Classification Sherloc (09022015). Collection method: clinical testing. Allele origin: germline.

GeneDx
Classification: Uncertain significance. Last evaluated: 2024-05-22. Review status: criteria provided, single submitter. Criteria: GeneDx Variant Classification Process June 2021. Collection method: clinical testing. Allele origin: germline. Affected: yes.
Comment: In silico analysis supports that this missense variant has a deleterious effect on protein structure/function; Observed in a pediatric patient with glioma (PMID: 26580448); This variant is associated with the following publications: (PMID: 24894818, 36346689, 26580448)

Ambry Genetics
Classification: Likely benign for Hereditary cancer-predisposing syndrome. Last evaluated: 2021-11-30. Review status: criteria provided, single submitter. Criteria: Ambry Variant Classification Scheme 2023. Collection method: clinical testing. Allele origin: germline.

Genome-Nilou Lab
Classification: Uncertain significance for Microcephaly, normal intelligence and immunodeficiency. Last evaluated: 2021-11-07. Review status: criteria provided, single submitter. Criteria: ACMG Guidelines, 2015. Collection method: clinical testing. Allele origin: germline. Affected: no.

Sema4
Classification: Uncertain significance for Hereditary cancer-predisposing syndrome. Last evaluated: 2021-10-25. Review status: criteria provided, single submitter. Criteria: Sema4 Curation Guidelines. Collection method: curation. Allele origin: germline.
Comment: The NBN c.266G>C (p.R89P) variant has been reported in one individual with low grade glioma (PMID: 26580448). This variant was observed in 10/35430 chromosomes in the Latino population, with no homozygotes, in the large and broad cohorts of the Genome Aggregation Database (PMID: 32461654). This variant has been reported in ClinVar (Variation ID: 184749). Functional studies have not been performed, and in silico predictions of the variant's effect on protein function are inconclusive. The evidence is insufficient to meet ACMG/AMP criteria for classifying the variant as benign or pathogenic. Thus, the clinical significance of this variant is currently uncertain.

Mendelics
Classification: Uncertain significance for Microcephaly, normal intelligence and immunodeficiency. Last evaluated: 2018-07-02. Review status: criteria provided, single submitter. Criteria: Mendelics Assertion Criteria 2017. Collection method: clinical testing. Allele origin: unknown.

PreventionGenetics, part of Exact Sciences
Classification: Uncertain significance for NBN-related condition. Last evaluated: 2024-07-08. Review status: no assertion criteria provided. Collection method: clinical testing. Allele origin: germline. Not counted in ClinVar's aggregate classification.
Comment: The NBN c.266G>C variant is predicted to result in the amino acid substitution p.Arg89Pro. This variant has been reported in an individual with low grade glioma (Zhang et al. et al 2015. PubMed ID: 26580448, Table S4b). This variant is reported in 0.028% of alleles in individuals of Latino descent in gnomAD and has conflicting interpretations in ClinVar from a variant of uncertain significance to likely benign. At this time, the clinical significance of this variant is uncertain due to the absence of conclusive functional and genetic evidence.

Natera, Inc.
Classification: Uncertain significance for Nijmegen breakage syndrome. Last evaluated: 2020-07-10. Review status: no assertion criteria provided. Collection method: clinical testing. Allele origin: germline. Not counted in ClinVar's aggregate classification.

Counsyl
Classification: Uncertain significance for Microcephaly, normal intelligence and immunodeficiency. Last evaluated: 2017-05-04. Review status: no assertion criteria provided. Collection method: clinical testing. Allele origin: unknown. Not counted in ClinVar's aggregate classification.

Department of Pathology and Laboratory Medicine, Sinai Health System
Classification: Uncertain significance for Malignant tumor of breast. Review status: no assertion criteria provided. Collection method: clinical testing. Allele origin: unknown. Affected: yes. Observed: 1 variant allele. Study: The Canadian Open Genetics Repository (COGR). Not counted in ClinVar's aggregate classification.
Comment: The NBN p.Arg89Pro variant was identified in 1 of 2240 proband chromosomes (frequency: 0.0005) from individuals or families with Low Grade Glioma (Zhang 2015). The variant was also identified in dbSNP (ID: rs747315554) as "With Uncertain significance allele", and in ClinVar (classified as uncertain significance by Ambry Genetics, Invitae, GeneDx, Color Genomics, Counsyl). The variant was not identified in Cosmic, LOVD 3.0, or Zhejiang University Databases. The variant was identified in control databases in 19 of 246202 chromosomes at a frequency of 0.00008 (Genome Aggregation Database Feb 27, 2017). The variant was observed in the following populations: Latino in 10 of 33582 chromosomes (freq: 0.0003), European in 9 of 111678 chromosomes (freq: 0.00008), while the variant was not observed in the African, Other, Ashkenazi Jewish, East Asian, Finnish, and South Asian populations. The p.Arg89 residue is not conserved in mammals and computational analyses (PolyPhen-2, SIFT, AlignGVGD, BLOSUM, MutationTaster) provide inconsistent predictions regarding the impact to the protein; this information is not very predictive of pathogenicity. The variant occurs outside of the splicing consensus sequence and in silico or computational prediction software programs (SpliceSiteFinder, MaxEntScan, NNSPLICE, GeneSplicer) do not predict a difference in splicing. In summary, based on the above information the clinical significance of this variant cannot be determined with certainty at this time. This variant is classified as a variant of uncertain significance.

Literature cited by the submitters: PubMed 26580448 (cited by Sema4 and Counsyl).

NM_002485.5(NBN):c.266G>C (p.Arg89Pro)

Gene: NBN (nibrin; minus strand). Cytogenetic location: 8q21.3.
Variant type: single nucleotide variant.
Coding change: c.266G>C on transcript NM_002485.5 (MANE Select); coding-DNA position 266, G replaced by C.
Protein change: p.Arg89Pro; replaces arginine 89 with proline.
Molecular consequence: missense variant.
Genome position (GRCh38, 1-based): chr8:89,981,429, C>G on the plus strand (G>C on the coding strand, the complement: NBN is on the minus strand). VCF-style: chr8-89981429-C-G. GRCh37 (hg19) VCF-style: chr8-90993657-C-G.
Other names: c.20G>C, p.Arg7Pro (NM_001024688.3); short protein forms R89P, R7P.
Identifiers: ClinVar variation 184749 (VCV000184749.35), dbSNP rs747315554, ClinGen allele CA189935.